The following is an entry in ClinVar:

NM_005732.4(RAD50):c.209C>G (p.Pro70Arg)

Gene: RAD50 (RAD50 double strand break repair protein; plus strand). Cytogenetic location: 5q31.1.
Variant type: single nucleotide variant.
Coding change: c.209C>G on transcript NM_005732.4 (MANE Select); coding-DNA position 209, C replaced by G.
Protein change: p.Pro70Arg; replaces proline 70 with arginine.
Molecular consequence: missense variant.
Genome position (GRCh38, 1-based): chr5:132,559,363, C>G. VCF-style: chr5-132559363-C-G. GRCh37 (hg19) VCF-style: chr5-131895055-C-G.
Other names: short protein forms P70R.
Identifiers: ClinVar variation 3224957 (VCV003224957.1), dbSNP rs1750080044, ClinGen allele CA360953837.

ClinVar aggregate classification (germline): Uncertain significance (1 of 4 stars; one submission).

Conditions:
Hereditary cancer-predisposing syndrome. Also called: Neoplastic Syndromes, Hereditary; Tumor predisposition; Hereditary neoplastic syndrome; Hereditary Cancer Syndrome. Identifiers: Orphanet 140162, MedGen C0027672, MeSH D009386, MONDO:0015356.

Submission:

Ambry Genetics
Classification: Uncertain significance for Hereditary cancer-predisposing syndrome. Last evaluated: 2024-03-09. Review status: criteria provided, single submitter. Criteria: Ambry Variant Classification Scheme 2023. Collection method: clinical testing. Allele origin: germline.
Comment: The p.P70R variant (also known as c.209C>G), located in coding exon 2 of the RAD50 gene, results from a C to G substitution at nucleotide position 209. The proline at codon 70 is replaced by arginine, an amino acid with dissimilar properties. This amino acid position is conserved. In addition, the in silico prediction for this alteration is inconclusive. Based on the available evidence, the clinical significance of this alteration remains unclear.